The following is an entry in ClinVar:

ClinVar aggregate classification (germline): Likely pathogenic (1 of 4 stars; one submission).

Conditions:
Microcephalic primordial dwarfism due to RTTN deficiency (MSSP). Also called: Microcephaly, short stature, and polymicrogyria with or without seizures; MICROCEPHALY, SHORT STATURE, AND POLYMICROGYRIA. Identifiers: Orphanet 468631, MedGen C3553831, MONDO:0018764, OMIM 614833.

gnomAD v4.1: 6 of 1,613,704 alleles (0.00037%); highest among the groups gnomAD compares: Non-Finnish European, 0.00051%; no homozygotes.

Submission:

Laboratorio de Genetica e Diagnostico Molecular, Hospital Israelita Albert Einstein
Classification: Likely pathogenic for Microcephalic primordial dwarfism due to RTTN deficiency. Last evaluated: 2025-04-22. Review status: criteria provided, single submitter. Criteria: ACMG Guidelines, 2015. Collection method: clinical testing. Allele origin: germline. Affected: yes.
Comment: ACMG classification criteria: PVS1 very strong, PM2 supporting

NM_173630.4(RTTN):c.1117C>T (p.Gln373Ter)

Gene: RTTN (rotatin; minus strand). Cytogenetic location: 18q22.2.
Variant type: single nucleotide variant.
Coding change: c.1117C>T on transcript NM_173630.4 (MANE Select); coding-DNA position 1117, C replaced by T.
Protein change: p.Gln373Ter; replaces glutamine 373 with a stop codon.
Molecular consequence: nonsense. On other transcripts: 5 prime UTR variant (1).
Genome position (GRCh38, 1-based): chr18:70,190,610, G>A on the plus strand (C>T on the coding strand, the complement: RTTN is on the minus strand). VCF-style: chr18-70190610-G-A. GRCh37 (hg19) VCF-style: chr18-67857846-G-A.
Other names: c.-1437C>T (NM_001318520.2); short protein forms Q373*.
Identifiers: ClinVar variation 4076394 (VCV004076394.1).
Genomic context (GRCh38, chr18:70,190,610, plus strand): 5'-GAGGAACAGCTGATTCCAGAATGGAGACACAAAACTGGGGAAGACTGAGCTGCTGGAATT[G>A]TAGTTCCAATGTGTCTTCAGTTTCCAGCTCTGGCAGATCTATGTGTCCCATATCCAAAGG-3'